The following is an entry in ClinVar:

NM_000128.4(F11):c.687C>T (p.Ile229=)

Gene: F11 (coagulation factor XI; plus strand). Cytogenetic location: 4q35.2.
Variant type: single nucleotide variant.
Coding change: c.687C>T on transcript NM_000128.4 (MANE Select); coding-DNA position 687, C replaced by T.
Protein change: p.Ile229=; no amino-acid change (isoleucine 229 retained).
Molecular consequence: synonymous variant.
Genome position (GRCh38, 1-based): chr4:186,276,322, C>T. VCF-style: chr4-186276322-C-T. GRCh37 (hg19) VCF-style: chr4-187197476-C-T.
Other names: c.687C>T (NM_000128.3).
Identifiers: ClinVar variation 1123631 (VCV001123631.11), dbSNP rs150644991, ClinGen allele CA3163746.

ClinVar aggregate classification (germline): Likely benign. Review status: criteria provided, single submitter (1 of 4 stars). 2 submissions from 2 submitters: Likely benign (1). 1 of the submissions does not count toward it. Last evaluated 2025-09-28.

Conditions:
F11-related disorder. Also called: F11-related condition.

Allele frequency attached by ClinVar (database versions not stated): gnomAD exomes 0.00001 and 0.00007; ExAC 0.00002; gnomAD 0.00004; TOPMed 0.00004; ESP Exome Variant Server 0.00008.
gnomAD v4.1: 108 of 1,614,034 alleles (0.0067%); highest among the groups gnomAD compares: Non-Finnish European, 0.0091%; no homozygotes.

Submissions (2):

Labcorp Genetics (formerly Invitae), Labcorp
Classification: Likely benign. Last evaluated: 2025-09-28. Review status: criteria provided, single submitter. Criteria: Invitae Variant Classification Sherloc (09022015). Collection method: clinical testing. Allele origin: germline.

PreventionGenetics, part of Exact Sciences
Classification: Likely benign for F11-related condition. Last evaluated: 2019-08-14. Review status: no assertion criteria provided. Collection method: clinical testing. Allele origin: germline. Not counted in ClinVar's aggregate classification.
Comment: This variant is classified as likely benign based on ACMG/AMP sequence variant interpretation guidelines (Richards et al. 2015 PMID: 25741868, with internal and published modifications).